The following is an entry in ClinVar:

NM_004525.3(LRP2):c.1566-2A>G

Gene: LRP2 (LDL receptor related protein 2; minus strand). Cytogenetic location: 2q31.1.
Variant type: single nucleotide variant.
Coding change: c.1566-2A>G on transcript NM_004525.3 (MANE Select); the canonical splice acceptor site of the intron before coding-DNA position 1566, A replaced by G.
Molecular consequence: splice acceptor variant.
Genome position (GRCh38, 1-based): chr2:169,277,953, T>C on the plus strand (A>G on the coding strand, the complement: LRP2 is on the minus strand). VCF-style: chr2-169277953-T-C. GRCh37 (hg19) VCF-style: chr2-170134463-T-C.
Identifiers: ClinVar variation 3382831 (VCV003382831.2).
Genomic context (GRCh38, chr2:169,277,953, plus strand): 5'-ATGCCCTTTCCAGCTTAGGTTCCCCAGAAAGGCTCTCCCAATCTGAGAAAAATAAATAAC[T>C]ACAAAAGAAAAACAGAAGATGAAAGAATCTGGTATTTTACAAGTTAACCTGGGAATTTTT-3'

ClinVar aggregate classification (germline): Likely pathogenic (1 of 4 stars; one submission).

Conditions:
Donnai-Barrow syndrome. Also called: DBS/FOAR SYNDROME; FACIOOCULOACOUSTICORENAL SYNDROME. Identifiers: Orphanet 2143, MedGen C1857277, MONDO:0009104, OMIM 222448.

Submission:

Juno Genomics, Hangzhou Juno Genomics, Inc
Classification: Likely pathogenic for Donnai-Barrow syndrome. Review status: criteria provided, single submitter. Criteria: ACMG Guidelines, 2015. Collection method: clinical testing. Allele origin: germline. Affected: yes.
Comment: Absent from controls (or at extremely low frequency if recessive) in Genome Aggregation Database, Exome Sequencing Project, 1000 Genomes Project, or Exome Aggregation Consortium.;Null variant in a gene where loss of function (LOF) is a known mechanism of disease.;For recessive disorders, detected in trans with a pathogenic variant.;Patient's phenotype or family history is highly specific for a disease with a single genetic etiology.